The following is an entry in ClinVar:

ClinVar aggregate classification (germline): Uncertain significance (1 of 4 stars; one submission).

Submission:

Ambry Genetics
Classification: Uncertain significance. Last evaluated: 2024-03-21. Review status: criteria provided, single submitter. Criteria: Ambry Variant Classification Scheme 2023. Collection method: clinical testing. Allele origin: germline.
Comment: The p.N1008D variant (also known as c.3022A>G), located in coding exon 16 of the NPAT gene, results from an A to G substitution at nucleotide position 3022. The asparagine at codon 1008 is replaced by aspartic acid, an amino acid with highly similar properties. This amino acid position is conserved. In addition, this alteration is predicted to be tolerated by in silico analysis. Based on the available evidence, the clinical significance of this alteration remains unclear.

NM_002519.3(NPAT):c.3022A>G (p.Asn1008Asp)

Gene: NPAT (nuclear protein, coactivator of histone transcription; minus strand). Cytogenetic location: 11q22.3.
Variant type: single nucleotide variant.
Coding change: c.3022A>G on transcript NM_002519.3 (MANE Select); coding-DNA position 3022, A replaced by G.
Protein change: p.Asn1008Asp; replaces asparagine 1008 with aspartic acid.
Molecular consequence: missense variant.
Genome position (GRCh38, 1-based): chr11:108,162,169, T>C on the plus strand (A>G on the coding strand, the complement: NPAT is on the minus strand). VCF-style: chr11-108162169-T-C. GRCh37 (hg19) VCF-style: chr11-108032896-T-C.
Other names: c.3022A>G, p.Asn1008Asp (NM_001321307.1); short protein forms N1008D.
Identifiers: ClinVar variation 3300599 (VCV003300599.1).